The following is an entry in ClinVar:

NM_004655.4(AXIN2):c.1712+2dup

Gene: AXIN2 (axin 2; minus strand). Cytogenetic location: 17q24.1.
Variant type: Duplication.
Coding change: c.1712+2dup on transcript NM_004655.4 (MANE Select); the canonical splice donor site of the intron after coding-DNA position 1712, one base duplicated (T; older notation c.1712+2dupT).
Molecular consequence: splice donor variant.
Genome position (GRCh38, 1-based): chr17:65,537,322, A duplicated on the plus strand (T on the coding strand, the reverse complement: AXIN2 is on the minus strand). VCF-style (leftmost placement, unchanged base first): chr17-65537321-T-TA. GRCh37 (hg19) VCF-style: chr17-63533439-T-TA.
Other names: c.1712+2dup (NM_001363813.1).
Identifiers: ClinVar variation 3650683 (VCV003650683.2).

ClinVar aggregate classification (germline): Uncertain significance (1 of 4 stars; one submission).

Conditions:
Oligodontia-cancer predisposition syndrome. Also called: TOOTH AGENESIS-COLORECTAL CANCER SYNDROME. Identifiers: Orphanet 300576, MedGen C1837750, MONDO:0012075, OMIM 608615. Disease mechanism: loss of function.

Submission:

Labcorp Genetics (formerly Invitae), Labcorp
Classification: Uncertain significance for Oligodontia-cancer predisposition syndrome. Last evaluated: 2024-04-24. Review status: criteria provided, single submitter. Criteria: Invitae Variant Classification Sherloc (09022015). Collection method: clinical testing. Allele origin: germline.
Comment: This sequence change falls in intron 6 of the AXIN2 gene. It does not directly change the encoded amino acid sequence of the AXIN2 protein. It affects a nucleotide within the consensus splice site. This variant is not present in population databases (gnomAD no frequency). This variant has not been reported in the literature in individuals affected with AXIN2-related conditions. Variants that disrupt the consensus splice site are a relatively common cause of aberrant splicing (PMID: 17576681, 9536098). RNA analysis performed to evaluate the impact of this variant on mRNA splicing indicates it does not significantly alter splicing (Invitae). In summary, the available evidence is currently insufficient to determine the role of this variant in disease. Therefore, it has been classified as a Variant of Uncertain Significance.

Literature cited by the submitters: PubMed 17576681; PubMed 9536098.